The following is an entry in ClinVar:

ClinVar aggregate classification (germline): Likely benign. Review status: criteria provided, single submitter (1 of 4 stars). 2 submissions from 2 submitters: Likely benign (1). 1 of the submissions does not count toward it. Last evaluated 2026-07-01.

Conditions:
MAB21L1-related disorder. Also called: MAB21L1-related condition.

Allele frequency attached by ClinVar (database versions not stated): 1000 Genomes Project 30x 0.00078; 1000 Genomes Project 0.00080; TOPMed 0.00084; gnomAD 0.00090; ExAC 0.00100; ESP Exome Variant Server 0.00100; gnomAD exomes 0.00149.
gnomAD v4.1: 2,299 of 1,614,018 alleles (0.14%); highest among the groups gnomAD compares: Non-Finnish European, 0.18%; 5 homozygotes.

Submissions (2):

CeGaT Center for Human Genetics Tuebingen
Classification: Likely benign. Last evaluated: 2026-07-01. Review status: criteria provided, single submitter. Criteria: CeGaT Center For Human Genetics Tuebingen Variant Classification Criteria Version 2. Collection method: clinical testing. Allele origin: germline. Affected: yes. Observed: 6 variant alleles.
Comment: NBEA: BS1

PreventionGenetics, part of Exact Sciences
Classification: Likely benign for MAB21L1-related condition. Last evaluated: 2022-07-18. Review status: no assertion criteria provided. Collection method: clinical testing. Allele origin: germline. Not counted in ClinVar's aggregate classification.
Comment: This variant is classified as likely benign based on ACMG/AMP sequence variant interpretation guidelines (Richards et al. 2015 PMID: 25741868, with internal and published modifications).

NM_005584.5(MAB21L1):c.820A>G (p.Met274Val)

Genes: MAB21L1 (mab-21 like 1; minus strand), NBEA (neurobeachin; plus strand). Cytogenetic location: 13q13.3.
Variant type: single nucleotide variant.
Coding change: c.820A>G on transcript NM_005584.5 (MANE Select); coding-DNA position 820, A replaced by G.
Protein change: p.Met274Val; replaces methionine 274 with valine.
Molecular consequence: missense variant. On other transcripts: intron variant (3).
Genome position (GRCh38, 1-based): chr13:35,475,319, T>C on the plus strand (A>G on the coding strand, the complement: MAB21L1 is on the minus strand). VCF-style: chr13-35475319-T-C. GRCh37 (hg19) VCF-style: chr13-36049456-T-C.
Other names: c.6576+2783T>C (NM_001379245.1); c.6585+2783T>C (NM_001385012.1, NM_015678.5); short protein forms M274V.
Identifiers: ClinVar variation 3045100 (VCV003045100.19), dbSNP rs45612732, ClinGen allele CA6947404.